The following is an entry in ClinVar:

ClinVar aggregate classification (germline): Uncertain significance (1 of 4 stars; one submission).

Conditions:
Inborn genetic diseases. Identifiers: MedGen C0950123, MeSH D030342.

Submission:

Ambry Genetics
Classification: Uncertain significance for Inborn genetic diseases. Last evaluated: 2024-11-24. Review status: criteria provided, single submitter. Criteria: Ambry Variant Classification Scheme 2023. Collection method: clinical testing. Allele origin: germline.
Comment: The p.M466I variant (also known as c.1398G>C), located in coding exon 11 of the CEP57 gene, results from a G to C substitution at nucleotide position 1398. The methionine at codon 466 is replaced by isoleucine, an amino acid with highly similar properties. This amino acid position is conserved. In addition, this alteration is predicted to be tolerated by in silico analysis. Based on the available evidence, the clinical significance of this variant remains unclear.

NM_014679.5(CEP57):c.1398G>C (p.Met466Ile)

Gene: CEP57 (centrosomal protein 57; plus strand). Cytogenetic location: 11q21.
Variant type: single nucleotide variant.
Coding change: c.1398G>C on transcript NM_014679.5 (MANE Select); coding-DNA position 1398, G replaced by C.
Protein change: p.Met466Ile; replaces methionine 466 with isoleucine.
Molecular consequence: missense variant.
Genome position (GRCh38, 1-based): chr11:95,831,151, G>C. VCF-style: chr11-95831151-G-C. GRCh37 (hg19) VCF-style: chr11-95564315-G-C.
Other names: c.1371G>C, p.Met457Ile (NM_001243776.2); c.1320G>C, p.Met440Ile (NM_001243777.2); c.1317G>C, p.Met439Ile (NM_001363604.2); short protein forms M439I, M440I, M466I, M457I.
Identifiers: ClinVar variation 3490831 (VCV003490831.1).
Genomic context (GRCh38, chr11:95,831,151, plus strand): 5'-AGAAAGAAACAGCAGCAGCCGTTCTGGAATCACAGGGACCACAAATAAGAAAGATTTTAT[G>C]AAACTGAGACCTGGAGAAAAAAGGAGAAAAAATCTTCAGTTATTGAAGGACATGCAAAGC-3'
Protein context (NP_055494.2, residues 456-476): ITGTTNKKDF[Met466Ile]KLRPGEKRRK